The following is an entry in ClinVar:

ClinVar aggregate classification (germline): Uncertain significance (1 of 4 stars; one submission).

Allele frequency attached by ClinVar (database versions not stated): ExAC 0.00002; TOPMed 0.00002; gnomAD 0.00003; gnomAD exomes 0.00004.
gnomAD v4.1: 67 of 1,613,978 alleles (0.0042%); highest among the groups gnomAD compares: Non-Finnish European, 0.0053%; no homozygotes.

Submission:

Labcorp Genetics (formerly Invitae), Labcorp
Classification: Uncertain significance. Last evaluated: 2023-08-04. Review status: criteria provided, single submitter. Criteria: Invitae Variant Classification Sherloc (09022015). Collection method: clinical testing. Allele origin: germline.
Comment: This sequence change replaces glutamic acid, which is acidic and polar, with lysine, which is basic and polar, at codon 1844 of the CPLANE1 protein (p.Glu1844Lys). This variant is present in population databases (rs765373927, gnomAD 0.003%). This variant has not been reported in the literature in individuals affected with CPLANE1-related conditions. ClinVar contains an entry for this variant (Variation ID: 2153650). Advanced modeling of protein sequence and biophysical properties (such as structural, functional, and spatial information, amino acid conservation, physicochemical variation, residue mobility, and thermodynamic stability) performed at Invitae indicates that this missense variant is not expected to disrupt CPLANE1 protein function. In summary, the available evidence is currently insufficient to determine the role of this variant in disease. Therefore, it has been classified as a Variant of Uncertain Significance.

NM_001384732.1(CPLANE1):c.5530G>A (p.Glu1844Lys)

Gene: CPLANE1 (ciliogenesis and planar polarity effector complex subunit 1; minus strand). Cytogenetic location: 5p13.2.
Variant type: single nucleotide variant.
Coding change: c.5530G>A on transcript NM_001384732.1 (MANE Select); coding-DNA position 5530, G replaced by A.
Protein change: p.Glu1844Lys; replaces glutamic acid 1844 with lysine.
Molecular consequence: missense variant.
Genome position (GRCh38, 1-based): chr5:37,180,897, C>T on the plus strand (G>A on the coding strand, the complement: CPLANE1 is on the minus strand). VCF-style: chr5-37180897-C-T. GRCh37 (hg19) VCF-style: chr5-37180999-C-T.
Other names: c.5530G>A, p.Glu1844Lys (NM_023073.4); short protein forms E1844K.
Identifiers: ClinVar variation 2153650 (VCV002153650.2), dbSNP rs765373927, ClinGen allele CA3238526.
Genomic context (GRCh38, chr5:37,180,897, plus strand): 5'-GAGTATAATCGGCAACTTACTTCAAGATATTTTGACAAGATTTATTCTGACCATTTCTTT[C>T]CTCAGTTCCACCTGGAGTTGCTACTGCAACTGAACCGCCAGCATCTGATTTGCTCTCCCT-3'
Protein context (NP_001371661.1, residues 1834-1854): VAVATPGGTE[Glu1844Lys]RNGQNKSCQN